The following is an entry in ClinVar:

NM_005121.3(MED13):c.2348T>G (p.Leu783Arg)

Gene: MED13 (mediator complex subunit 13; minus strand). Cytogenetic location: 17q23.2.
Variant type: single nucleotide variant.
Coding change: c.2348T>G on transcript NM_005121.3 (MANE Select); coding-DNA position 2348, T replaced by G.
Protein change: p.Leu783Arg; replaces leucine 783 with arginine.
Molecular consequence: missense variant.
Genome position (GRCh38, 1-based): chr17:61,987,044, A>C on the plus strand (T>G on the coding strand, the complement: MED13 is on the minus strand). VCF-style: chr17-61987044-A-C. GRCh37 (hg19) VCF-style: chr17-60064405-A-C.
Other names: short protein forms L783R.
Identifiers: ClinVar variation 2300910 (VCV002300910.3), dbSNP rs2509286460, ClinGen allele CA400511716.
Genomic context (GRCh38, chr17:61,987,044, plus strand): 5'-CTATTCATTAATGAGATACTCACTGTTAGTTCATCTTCATCAGAATTGAAGAGATTATCA[A>C]GGTCAGTATAAGAGACAGCCAGGTCTGAGTCATAAATCAAACTTGTTGATGGAGGACGGG-3'
Protein context (NP_005112.2, residues 773-793): DSDLAVSYTD[Leu783Arg]DNLFNSDEDE

ClinVar aggregate classification (germline): Uncertain significance. Review status: criteria provided, multiple submitters, no conflicts (2 of 4 stars). 2 submissions from 2 submitters: Uncertain significance (2). Last evaluated 2026-02-04.

Conditions:
Inborn genetic diseases. Identifiers: MedGen C0950123, MeSH D030342.

Submissions (2):

GeneDx
Classification: Uncertain significance. Last evaluated: 2026-02-04. Review status: criteria provided, single submitter. Criteria: GeneDx Variant Classification Process June 2021. Collection method: clinical testing. Allele origin: germline.
Comment: Not observed at significant frequency in large population cohorts (gnomAD); In silico analysis supports that this missense variant has a deleterious effect on protein structure/function; Has not been previously published as pathogenic or benign to our knowledge

Ambry Genetics
Classification: Uncertain significance for Inborn genetic diseases. Last evaluated: 2022-07-12. Review status: criteria provided, single submitter. Criteria: Ambry Variant Classification Scheme 2023. Collection method: clinical testing. Allele origin: germline.